The following is an entry in ClinVar:

NM_018972.4(GDAP1):c.271A>G (p.Thr91Ala)

Gene: GDAP1 (ganglioside induced differentiation associated protein 1; plus strand). Cytogenetic location: 8q21.11.
Variant type: single nucleotide variant.
Coding change: c.271A>G on transcript NM_018972.4 (MANE Select); coding-DNA position 271, A replaced by G.
Protein change: p.Thr91Ala; replaces threonine 91 with alanine.
Molecular consequence: missense variant. On other transcripts: intron variant (2).
Genome position (GRCh38, 1-based): chr8:74,351,427, A>G. VCF-style: chr8-74351427-A-G. GRCh37 (hg19) VCF-style: chr8-75263662-A-G.
Other names: c.67A>G, p.Thr23Ala (NM_001040875.4); c.271A>G, p.Thr91Ala (NM_001362930.2, NM_001362931.2); c.-18+106A>G (NM_001362929.2); c.-18+849A>G (NM_001362932.2); short protein forms T23A, T91A.
Identifiers: ClinVar variation 3673171 (VCV003673171.2).

ClinVar aggregate classification (germline): Uncertain significance (1 of 4 stars; one submission).

Conditions:
Charcot-Marie-Tooth disease type 4A. Also called: Charcot-Marie-Tooth disease, demyelinating, autosomal recessive, type 4a. Identifiers: Orphanet 99948, MedGen C1859198, MONDO:0008961, OMIM 214400.

Submission:

Labcorp Genetics (formerly Invitae), Labcorp
Classification: Uncertain significance for Charcot-Marie-Tooth disease type 4A. Last evaluated: 2025-01-09. Review status: criteria provided, single submitter. Criteria: Invitae Variant Classification Sherloc (09022015). Collection method: clinical testing. Allele origin: germline.
Comment: This sequence change replaces threonine, which is neutral and polar, with alanine, which is neutral and non-polar, at codon 91 of the GDAP1 protein (p.Thr91Ala). This variant is not present in population databases (gnomAD no frequency). This variant has not been reported in the literature in individuals affected with GDAP1-related conditions. Invitae Evidence Modeling of protein sequence and biophysical properties (such as structural, functional, and spatial information, amino acid conservation, physicochemical variation, residue mobility, and thermodynamic stability) indicates that this missense variant is not expected to disrupt GDAP1 protein function with a negative predictive value of 80%. In summary, the available evidence is currently insufficient to determine the role of this variant in disease. Therefore, it has been classified as a Variant of Uncertain Significance.